The following is an entry in ClinVar:

NM_000135.4(FANCA):c.3315C>A (p.Cys1105Ter)

Gene: FANCA (FA complementation group A; minus strand). Cytogenetic location: 16q24.3.
Variant type: single nucleotide variant.
Coding change: c.3315C>A on transcript NM_000135.4 (MANE Select); coding-DNA position 3315, C replaced by A.
Protein change: p.Cys1105Ter; replaces cysteine 1105 with a stop codon.
Molecular consequence: nonsense.
Genome position (GRCh38, 1-based): chr16:89,748,692, G>T on the plus strand (C>A on the coding strand, the complement: FANCA is on the minus strand). VCF-style: chr16-89748692-G-T. GRCh37 (hg19) VCF-style: chr16-89815100-G-T.
Other names: c.3315C>A, p.Cys1105Ter (NM_001286167.3); short protein forms C1105*.
Identifiers: ClinVar variation 2918311 (VCV002918311.3), dbSNP rs749550737, ClinGen allele CA397486256.

ClinVar aggregate classification (germline): Pathogenic (1 of 4 stars; one submission).

Conditions:
Fanconi anemia (FA). Also called: Fanconi's anemia. Identifiers: Orphanet 84, MedGen C0015625, MeSH D005199, MONDO:0019391.

Submission:

Labcorp Genetics (formerly Invitae), Labcorp
Classification: Pathogenic for Fanconi anemia. Last evaluated: 2023-01-13. Review status: criteria provided, single submitter. Criteria: Invitae Variant Classification Sherloc (09022015). Collection method: clinical testing. Allele origin: germline.
Comment: For these reasons, this variant has been classified as Pathogenic. This variant has not been reported in the literature in individuals affected with FANCA-related conditions. This variant is not present in population databases (gnomAD no frequency). This sequence change creates a premature translational stop signal (p.Cys1105*) in the FANCA gene. It is expected to result in an absent or disrupted protein product. Loss-of-function variants in FANCA are known to be pathogenic (PMID: 19367192).

Literature cited by the submitters: PubMed 19367192.